The following is an entry in ClinVar:

ClinVar aggregate classification (germline): Uncertain significance. Review status: criteria provided, multiple submitters, no conflicts (2 of 4 stars). 2 submissions from 2 submitters: Uncertain significance (2). Last evaluated 2025-10-22.

Conditions:
Hereditary cancer-predisposing syndrome. Also called: Hereditary Cancer Syndrome; Tumor predisposition; Neoplastic Syndromes, Hereditary; Hereditary neoplastic syndrome. Identifiers: Orphanet 140162, MedGen C0027672, MeSH D009386, MONDO:0015356.
Gastrointestinal stromal tumor. Also called: Gastrointestinal stromal tumor, somatic; Gastrointestinal stroma tumor. Identifiers: Orphanet 44890, MedGen C0238198, MeSH D046152, MONDO:0011719, OMIM 606764, HP:0100723.

gnomAD v4.1: 1 of 1,610,104 alleles (0.000062%); highest among the groups gnomAD compares: Non-Finnish European, 0.000085%; no homozygotes.

Submissions (2):

Ambry Genetics
Classification: Uncertain significance for Hereditary cancer-predisposing syndrome. Last evaluated: 2025-10-22. Review status: criteria provided, single submitter. Criteria: Ambry Variant Classification Scheme 2023. Collection method: clinical testing. Allele origin: germline.
Comment: The p.A916G variant (also known as c.2747C>G), located in coding exon 19 of the PDGFRA gene, results from a C to G substitution at nucleotide position 2747. The alanine at codon 916 is replaced by glycine, an amino acid with similar properties. This amino acid position is not well conserved in available vertebrate species. In addition, this alteration is predicted to be tolerated by in silico analysis. Based on the available evidence, the clinical significance of this variant remains unclear.

Labcorp Genetics (formerly Invitae), Labcorp
Classification: Uncertain significance for Gastrointestinal stromal tumor. Last evaluated: 2024-07-08. Review status: criteria provided, single submitter. Criteria: Invitae Variant Classification Sherloc (09022015). Collection method: clinical testing. Allele origin: germline.
Comment: This sequence change replaces alanine, which is neutral and non-polar, with glycine, which is neutral and non-polar, at codon 916 of the PDGFRA protein (p.Ala916Gly). This variant is not present in population databases (gnomAD no frequency). This variant has not been reported in the literature in individuals affected with PDGFRA-related conditions. ClinVar contains an entry for this variant (Variation ID: 643341). Advanced modeling of protein sequence and biophysical properties (such as structural, functional, and spatial information, amino acid conservation, physicochemical variation, residue mobility, and thermodynamic stability) performed at Invitae indicates that this missense variant is not expected to disrupt PDGFRA protein function with a negative predictive value of 80%. In summary, the available evidence is currently insufficient to determine the role of this variant in disease. Therefore, it has been classified as a Variant of Uncertain Significance.

NM_006206.6(PDGFRA):c.2747C>G (p.Ala916Gly)

Gene: PDGFRA (platelet derived growth factor receptor alpha; plus strand). Cytogenetic location: 4q12.
Variant type: single nucleotide variant.
Coding change: c.2747C>G on transcript NM_006206.6 (MANE Select); coding-DNA position 2747, C replaced by G.
Protein change: p.Ala916Gly; replaces alanine 916 with glycine.
Molecular consequence: missense variant.
Genome position (GRCh38, 1-based): chr4:54,288,871, C>G. VCF-style: chr4-54288871-C-G. GRCh37 (hg19) VCF-style: chr4-55155038-C-G.
Other names: c.2822C>G, p.Ala941Gly (NM_001347828.2); c.2747C>G, p.Ala916Gly (NM_001347829.2); c.2786C>G, p.Ala929Gly (NM_001347830.2); short protein forms A916G, A941G, A929G.
Identifiers: ClinVar variation 643341 (VCV000643341.9), dbSNP rs1403858596, ClinGen allele CA356895566.